The following is an entry in ClinVar:

ClinVar aggregate classification (germline): Uncertain significance (1 of 4 stars; one submission).

Conditions:
ERCC2-related disorder. Also called: ERCC2-related disorders; ERCC2-related conditions; ERCC2-related condition. Identifiers: MedGen CN239291.

Submission:

Myriad Genetics, Inc.
Classification: Uncertain significance for ERCC2-related disorder. Last evaluated: 2025-08-26. Review status: criteria provided, single submitter. Criteria: Myriad Autosomal Dominant, Autosomal Recessive and X-Linked Classification Criteria (2023). Collection method: clinical testing. Allele origin: unknown.
Comment: NM_000400.3(ERCC2):c.1615_1617delTTC(F539del) is an in-frame deletion classified as a variant of uncertain significance in the context of ERCC2-related disorders. F539del has not been observed in cases with relevant disease. Relevant functional assessments of this variant are not available in the literature. F539del has not been observed in referenced population frequency databases. In summary, there is insufficient evidence to classify NM_000400.3(ERCC2):c.1615_1617delTTC(F539del) as pathogenic or benign. Please note: this variant was assessed in the context of healthy population screening.

NM_000400.4(ERCC2):c.1612TTC[1] (p.Phe539del)

Gene: ERCC2 (ERCC excision repair 2, TFIIH core complex helicase subunit; minus strand). Cytogenetic location: 19q13.32.
Variant type: Microsatellite.
Coding change: c.1612TTC[1] on transcript NM_000400.4 (MANE Select); one copy of the 3-base unit TTC starting at c.1612; the reference has two copies in a row; one copy, 3 bases deleted.
Protein change: p.Phe539del; deletes phenylalanine 539.
Molecular consequence: inframe deletion. On other transcripts: non-coding transcript variant (3).
Genome position (GRCh38, 1-based): chr19:45,354,778-45,354,780, GAA deleted on the plus strand (TTC on the coding strand, the reverse complement: ERCC2 is on the minus strand); deleting any 3 consecutive bases within chr19:45,354,778-45,354,784 gives the same sequence; the position shown is the placement nearest the transcript's 3' end. VCF-style (leftmost placement, unchanged base first): chr19-45354777-TGAA-T. GRCh37 (hg19) VCF-style: chr19-45858035-TGAA-T.
Other names: c.1540TTC[1], p.Phe515del (NM_001440355.1); c.1534TTC[1], p.Phe513del (NM_001440356.1); c.1489TTC[1], p.Phe498del (NM_001440357.1); short protein forms F539del, F515del, F498del, F513del.
Identifiers: ClinVar variation 5003953 (VCV005003953.1).